The following is an entry in ClinVar:

ClinVar aggregate classification (germline): Uncertain significance (1 of 4 stars; one submission).

Conditions:
Malignant hyperthermia, susceptibility to, 5 (MHS5). Also called: CACNA1S-Related Malignant Hyperthermia Susceptibility. Identifiers: Orphanet 423, MedGen C1866077, MONDO:0011163, OMIM 601887.

gnomAD v4.1: 1 of 1,607,364 alleles (0.000062%); no homozygotes.

Submission:

All of Us Research Program, National Institutes of Health
Classification: Uncertain significance for Malignant hyperthermia, susceptibility to, 5. Last evaluated: 2024-05-09. Review status: criteria provided, single submitter. Criteria: ACMG Guidelines, 2015. Collection method: clinical testing. Allele origin: germline. Inheritance: Autosomal dominant inheritance. Observed: 2 variant alleles, 2 heterozygotes.
Comment: This variant causes a G to A nucleotide substitution at the +5 position of intron 36 of the CACNA1S gene. Splice site prediction tools suggest that this variant may have a significant impact on RNA splicing. To our knowledge, functional studies have not been reported for this variant. This variant has not been reported in individuals affected with CACNA1S-related disorders in the literature. This variant has not been identified in the general population by the Genome Aggregation Database (gnomAD). The available evidence is insufficient to determine the role of this variant in disease conclusively. Therefore, this variant is classified as a Variant of Uncertain Significance.

This study involves interpretation of variants in research participants for the purpose of population health screening. Participant phenotype was not available at the time of variant classification. Additional details can be found in publication PMID: 35346344, PMCID: PMC8962531

NM_000069.3(CACNA1S):c.4441+5G>A

Gene: CACNA1S (calcium voltage-gated channel subunit alpha1 S; minus strand). Cytogenetic location: 1q32.1.
Variant type: single nucleotide variant.
Coding change: c.4441+5G>A on transcript NM_000069.3 (MANE Select); 5 bases into the intron after coding-DNA position 4441, G replaced by A.
Molecular consequence: intron variant.
Genome position (GRCh38, 1-based): chr1:201,048,577, C>T on the plus strand (G>A on the coding strand, the complement: CACNA1S is on the minus strand). VCF-style: chr1-201048577-C-T. GRCh37 (hg19) VCF-style: chr1-201017705-C-T.
Identifiers: ClinVar variation 3074782 (VCV003074782.2), dbSNP rs2464435265, ClinGen allele CA2649759862.